The following is an entry in ClinVar:

ClinVar aggregate classification (germline): Uncertain significance. Review status: criteria provided, multiple submitters, no conflicts (2 of 4 stars). 5 submissions from 5 submitters: Uncertain significance (5). Last evaluated 2022-09-15.

Conditions:
Charcot-Marie-Tooth disease type 2. Also called: Charcot-Marie-Tooth type 2. Identifiers: Orphanet 64746, MedGen C0270914, MONDO:0018993.
Inborn genetic diseases. Identifiers: MedGen C0950123, MeSH D030342.
Charcot-Marie-Tooth disease type 2B2 (CMT2B2). Also called: CHARCOT-MARIE-TOOTH DISEASE, NEURONAL, TYPE 2B2; CHARCOT-MARIE-TOOTH DISEASE, AXONAL, AUTOSOMAL RECESSIVE, TYPE 2B2; CHARCOT-MARIE-TOOTH DISEASE, AXONAL, TYPE 2B2; Charcot-Marie-Tooth Neuropathy Type 2B2. Identifiers: Orphanet 101101, MedGen C1854150, MONDO:0011570, OMIM 605589.

Allele frequency attached by ClinVar (database versions not stated): TOPMed 0.00006; gnomAD 0.00007 and 0.00011; gnomAD exomes 0.00011 and 0.00015; ExAC 0.00015.
gnomAD v4.1: 180 of 1,602,452 alleles (0.011%); highest among the groups gnomAD compares: Middle Eastern, 0.53%; 4 homozygotes.

Submissions (5):

Department of Pathology and Laboratory Medicine, Sinai Health System
Classification: Uncertain significance for Charcot-Marie-Tooth disease type 2B2. Last evaluated: 2022-09-15. Review status: criteria provided, single submitter. Criteria: ACMG Guidelines, 2015. Collection method: research. Allele origin: germline.

Labcorp Genetics (formerly Invitae), Labcorp
Classification: Uncertain significance for Charcot-Marie-Tooth disease type 2. Last evaluated: 2022-07-25. Review status: criteria provided, single submitter. Criteria: Invitae Variant Classification Sherloc (09022015). Collection method: clinical testing. Allele origin: germline.
Comment: This sequence change falls in intron 9 of the MED25 gene. It does not directly change the encoded amino acid sequence of the MED25 protein. It affects a nucleotide within the consensus splice site. This variant is present in population databases (rs746210338, gnomAD 0.1%). This variant has not been reported in the literature in individuals affected with MED25-related conditions. ClinVar contains an entry for this variant (Variation ID: 329881). Variants that disrupt the consensus splice site are a relatively common cause of aberrant splicing (PMID: 17576681, 9536098). Algorithms developed to predict the effect of sequence changes on RNA splicing suggest that this variant is not likely to affect RNA splicing. In summary, the available evidence is currently insufficient to determine the role of this variant in disease. Therefore, it has been classified as a Variant of Uncertain Significance.

CeGaT Center for Human Genetics Tuebingen
Classification: Uncertain significance. Last evaluated: 2021-11-01. Review status: criteria provided, single submitter. Criteria: CeGaT Center For Human Genetics Tuebingen Variant Classification Criteria Version 2. Collection method: clinical testing. Allele origin: germline. Affected: yes. Observed: 1 variant allele.

Ambry Genetics
Classification: Uncertain significance for Inborn genetic diseases. Last evaluated: 2021-09-08. Review status: criteria provided, single submitter. Criteria: Ambry Variant Classification Scheme 2023. Collection method: clinical testing. Allele origin: germline.
Comment: The c.1101+4G>A intronic alteration consists of a G to A substitution 4 nucleotides after exon 9 of the MED25 gene. Based on insufficient or conflicting evidence, the clinical significance of this alteration remains unclear.

Breakthrough Genomics
Classification: Uncertain significance. Review status: criteria provided, single submitter. Criteria: ACMG Guidelines, 2015. Collection method: not provided. Allele origin: germline. Inheritance: Autosomal dominant inheritance. Affected: yes.

Literature cited by the submitters: PubMed 17576681 (cited by Labcorp Genetics (formerly Invitae), Labcorp); PubMed 9536098 (cited by Labcorp Genetics (formerly Invitae), Labcorp).

NM_030973.4(MED25):c.1101+4G>A

Gene: MED25 (mediator complex subunit 25; plus strand). Cytogenetic location: 19q13.33.
Variant type: single nucleotide variant.
Coding change: c.1101+4G>A on transcript NM_030973.4 (MANE Select); 4 bases into the intron after coding-DNA position 1101, G replaced by A.
Molecular consequence: intron variant.
Genome position (GRCh38, 1-based): chr19:49,830,891, G>A. VCF-style: chr19-49830891-G-A. GRCh37 (hg19) VCF-style: chr19-50334148-G-A.
Other names: c.1101+4G>A (NM_001378355.1).
Identifiers: ClinVar variation 329881 (VCV000329881.46), dbSNP rs746210338, ClinGen allele CA9585134.